The following is an entry in ClinVar:

ClinVar aggregate classification (germline): Likely benign (1 of 4 stars; one submission).

Conditions:
Peroxisome biogenesis disorder 11A (Zellweger). Also called: Peroxisome biogenesis disorder 11A. Identifiers: Orphanet 912, MedGen C3554000, MONDO:0013949, OMIM 614883.

Allele frequency attached by ClinVar (database versions not stated): gnomAD 0.00271 and 0.00287; TOPMed 0.00306; 1000 Genomes Project 0.00439; 1000 Genomes Project 30x 0.00484.

Submission:

Illumina Laboratory Services, Illumina
Classification: Likely benign for Peroxisome biogenesis disorder 11A (Zellweger). Last evaluated: 2018-01-13. Review status: criteria provided, single submitter. Criteria: ICSL Variant Classification Criteria 13 December 2019. Collection method: clinical testing. Allele origin: germline.
Comment: This variant was observed in the ICSL laboratory as part of a predisposition screen in an ostensibly healthy population. It had not been previously curated by ICSL or reported in the Human Gene Mutation Database (HGMD: prior to June 1st, 2018), and was therefore a candidate for classification through an automated scoring system. Utilizing variant allele frequency, disease prevalence and penetrance estimates, and inheritance mode, an automated score was calculated to assess if this variant is too frequent to cause the disease. Based on the score and internal cut-off values, a variant classified as likely benign is not then subjected to further curation. The score for this variant resulted in a classification of likely benign for this disease.

NM_002618.4(PEX13):c.*944C>T

Gene: PEX13 (peroxisomal biogenesis factor 13; plus strand). Cytogenetic location: 2p15.
Variant type: single nucleotide variant.
Coding change: c.*944C>T on transcript NM_002618.4 (MANE Select); 944 bases downstream of the stop codon, C replaced by T.
Molecular consequence: 3 prime UTR variant.
Genome position (GRCh38, 1-based): chr2:61,049,714, C>T. VCF-style: chr2-61049714-C-T. GRCh37 (hg19) VCF-style: chr2-61276849-C-T.
Identifiers: ClinVar variation 336684 (VCV000336684.5), dbSNP rs148184159, ClinGen allele CA10614231.